The following is an entry in ClinVar:

ClinVar aggregate classification (germline): Conflicting classifications of pathogenicity. Review status: criteria provided, conflicting classifications (1 of 4 stars). 9 submissions from 8 submitters: Uncertain significance (5); Benign (1). 3 of the submissions do not count toward it. Last evaluated 2026-01-10.

Conditions:
Neurofibromatosis, type 1 (NF1). Also called: VON RECKLINGHAUSEN DISEASE; Neurofibromatosis, type I; NEUROFIBROMATOSIS, TYPE I, SOMATIC; Peripheral type neurofibromatosis. Identifiers: Orphanet 636, MedGen C0027831, MONDO:0018975, OMIM 162200. Disease mechanism: loss of function.
Juvenile myelomonocytic leukemia (JMML). Also called: LEUKEMIA, JUVENILE MYELOMONOCYTIC, SOMATIC. Identifiers: Orphanet 86834, MedGen C0349639, MONDO:0011908, OMIM 607785, HP:0012209.
Breast-ovarian cancer, familial, susceptibility to, 1 (BROVCA1). Also called: BRCA1 Hereditary Breast and Ovarian Cancer; OVARIAN CANCER, SUSCEPTIBILITY TO. Identifiers: Orphanet 145, MedGen C2676676, MONDO:0011450, OMIM 604370. Disease mechanism: loss of function.
Familial cancer of breast. Also called: BREAST CANCER, FAMILIAL; Hereditary breast cancer; hereditary breast carcinoma. Identifiers: Orphanet 227535, MedGen C0346153, MONDO:0016419, OMIM 114480. Disease mechanism: loss of function.
Hereditary cancer-predisposing syndrome. Also called: Tumor predisposition; Hereditary Cancer Syndrome; Hereditary neoplastic syndrome; Neoplastic Syndromes, Hereditary. Identifiers: Orphanet 140162, MedGen C0027672, MeSH D009386, MONDO:0015356.
Cardiovascular phenotype. Identifiers: MedGen CN230736.
NF1-related disorder. Also called: NF1-related condition. Identifiers: MedGen CN379171.

Allele frequency attached by ClinVar (database versions not stated): gnomAD exomes below 0.00001; TOPMed 0.00001.
gnomAD v4.1: 1 of 1,602,654 alleles (0.000062%); highest among the groups gnomAD compares: Non-Finnish European, 0.000085%; no homozygotes.

Submissions (9):

Labcorp Genetics (formerly Invitae), Labcorp
Classification: Benign for Neurofibromatosis, type 1. Last evaluated: 2026-01-10. Review status: criteria provided, single submitter. Criteria: Invitae Variant Classification Sherloc (09022015). Collection method: clinical testing. Allele origin: germline.

Ambry Genetics
Classification: Uncertain significance for Cardiovascular phenotype; Hereditary cancer-predisposing syndrome. Last evaluated: 2025-01-09. Review status: criteria provided, single submitter. Criteria: Ambry Variant Classification Scheme 2023. Collection method: clinical testing. Allele origin: germline.
Comment: The p.L1433V variant (also known as c.4297C>G), located in coding exon 32 of the NF1 gene, results from a C to G substitution at nucleotide position 4297. The leucine at codon 1433 is replaced by valine, an amino acid with highly similar properties. This amino acid position is highly conserved in available vertebrate species. In addition, this alteration is predicted to be deleterious by in silico analysis. Since supporting evidence is limited at this time, the clinical significance of this alteration remains unclear.

Department of Human Genetics, Hannover Medical School
Classification: Uncertain significance for Neurofibromatosis, type 1. Last evaluated: 2024-06-12. Review status: criteria provided, single submitter. Criteria: ACMG Guidelines, 2015. Collection method: clinical testing. Allele origin: germline. Inheritance: Autosomal dominant inheritance. Affected: yes.

GeneDx
Classification: Uncertain significance. Last evaluated: 2024-04-30. Review status: criteria provided, single submitter. Criteria: GeneDx Variant Classification Process June 2021. Collection method: clinical testing. Allele origin: germline. Affected: yes.
Comment: Not observed at significant frequency in large population cohorts (gnomAD); In silico analysis supports that this missense variant does not alter protein structure/function; Has not been previously published as pathogenic or benign to our knowledge; This variant is associated with the following publications: (PMID: 25486365, 22807134)

Baylor Genetics
Classification: Uncertain significance for Juvenile myelomonocytic leukemia. Last evaluated: 2023-11-26. Review status: criteria provided, single submitter. Criteria: ACMG Guidelines, 2015. Collection method: clinical testing. Allele origin: unknown.

Genome-Nilou Lab
Classification: Uncertain significance for Neurofibromatosis, type 1. Last evaluated: 2022-03-15. Review status: criteria provided, single submitter. Criteria: ACMG Guidelines, 2015. Collection method: clinical testing. Allele origin: germline. Affected: no.

Diagnostics Centre, Carl Von Ossietzky University Oldenburg
Classification: Uncertain significance for Breast-ovarian cancer, familial, susceptibility to, 1. Last evaluated: 2025-01-13. Review status: no assertion criteria provided. Collection method: clinical testing. Allele origin: germline. Affected: yes. Observed: 1 variant allele. Not counted in ClinVar's aggregate classification.
Comment: The variant NF1:c.4297C>G p.(Leu1433Val) which is located in the coding exon 32 of the NF1 gene, results from a cytosine to guanine substitution at nucleotide position c.4297. The leucine at protein position 1433 is replaced by a valine. Missense variants in this gene or the affected region are a known disease mechanism and are rare in the general population. The affected protein region has significant levels of missense constrain. The variant has been classified as variant of uncertain significance as well as benign on multiple entries in ClinVar (Clinvar ID: 481907). This variant is classified as rare in the overall population (MAF 6.2 * e-7 in gnomAD). In summary, this variant is classified as variant of uncertain significance.

Diagnostics Centre, Carl Von Ossietzky University Oldenburg
Classification: Uncertain significance for Familial cancer of breast. Last evaluated: 2025-01-13. Review status: no assertion criteria provided. Collection method: clinical testing. Allele origin: germline. Affected: yes. Observed: 1 variant allele. Not counted in ClinVar's aggregate classification.
Comment: The variant NF1:c.4297C>G (p.Leu1433Val) which is located in the exon 32 of the NF1 gene, results from a cytosine to guanine substitution at nucleotide position c.4297. The leucine residue is replaced by a guanine at protein position 4297. Missense variants in this gene or the affected region are a known disease mechanism and are rare in the general population. The affected protein region has significant levels of missense constrain. The variant has been classified as variant of uncertain significance (6) as well as benign (1) on multiple entries in ClinVar (VCV000481907.22). This variant is classified as very rare in the overall population (MAF 6.24e-7 in gnomAD). In summary, this variant is classified as a variant of unclear significance.

PreventionGenetics, part of Exact Sciences
Classification: Uncertain significance for NF1-related condition. Last evaluated: 2024-05-07. Review status: no assertion criteria provided. Collection method: clinical testing. Allele origin: germline. Not counted in ClinVar's aggregate classification.
Comment: The NF1 c.4360C>G variant is predicted to result in the amino acid substitution p.Leu1454Val. To our knowledge, this variant has not been reported in the literature or in a large population database, indicating this variant is rare. This variant is interpreted as uncertain in ClinVar. At this time, the clinical significance of this variant is uncertain due to the absence of conclusive functional and genetic evidence.

NM_001042492.3(NF1):c.4360C>G (p.Leu1454Val)

Gene: NF1 (neurofibromin 1; plus strand). Cytogenetic location: 17q11.2.
Variant type: single nucleotide variant.
Coding change: c.4360C>G on transcript NM_001042492.3 (MANE Select); coding-DNA position 4360, C replaced by G.
Protein change: p.Leu1454Val; replaces leucine 1454 with valine.
Molecular consequence: missense variant.
Genome position (GRCh38, 1-based): chr17:31,259,059, C>G. VCF-style: chr17-31259059-C-G. GRCh37 (hg19) VCF-style: chr17-29586077-C-G.
Other names: c.4297C>G, p.Leu1433Val (NM_000267.4); short protein forms L1454V, L1433V.
Identifiers: ClinVar variation 481907 (VCV000481907.23), dbSNP rs1408832954, ClinGen allele CA398998766.